The following is an entry in ClinVar:

ClinVar aggregate classification (germline): Uncertain significance (1 of 4 stars; one submission).

gnomAD v4.1: 24 of 1,612,910 alleles (0.0015%); highest among the groups gnomAD compares: Non-Finnish European, 0.0014%; no homozygotes.

Submission:

Labcorp Genetics (formerly Invitae), Labcorp
Classification: Uncertain significance. Last evaluated: 2022-07-05. Review status: criteria provided, single submitter. Criteria: Invitae Variant Classification Sherloc (09022015). Collection method: clinical testing. Allele origin: germline.
Comment: This sequence change falls in intron 39 of the COL13A1 gene. It does not directly change the encoded amino acid sequence of the COL13A1 protein. It affects a nucleotide within the consensus splice site. This variant is not present in population databases (gnomAD no frequency). This variant has not been reported in the literature in individuals affected with COL13A1-related conditions. ClinVar contains an entry for this variant (Variation ID: 1411673). Variants that disrupt the consensus splice site are a relatively common cause of aberrant splicing (PMID: 17576681, 9536098). Algorithms developed to predict the effect of sequence changes on RNA splicing suggest that this variant is not likely to affect RNA splicing. In summary, the available evidence is currently insufficient to determine the role of this variant in disease. Therefore, it has been classified as a Variant of Uncertain Significance.

Literature cited by the submitters: PubMed 17576681; PubMed 9536098.

NM_001368882.1(COL13A1):c.2184+6G>T

Gene: COL13A1 (collagen type XIII alpha 1 chain; plus strand). Cytogenetic location: 10q22.1.
Variant type: single nucleotide variant.
Coding change: c.2184+6G>T on transcript NM_001368882.1 (MANE Select); 6 bases into the intron after coding-DNA position 2184, G replaced by T.
Molecular consequence: intron variant.
Genome position (GRCh38, 1-based): chr10:69,957,048, G>T. VCF-style: chr10-69957048-G-T. GRCh37 (hg19) VCF-style: chr10-71716804-G-T.
Other names: c.1431+6G>T (NM_001368886.1); c.2052+6G>T (NM_001368883.1); c.1953+6G>T (NM_001368885.1); c.1830+6G>T (NM_080805.4); c.1875+6G>T (NM_001368897.1); c.1971+6G>T (NM_001368895.1); c.1857+6G>T (NM_001368898.1); c.1935+6G>T (NM_080798.4); and 7 more.
Identifiers: ClinVar variation 1411673 (VCV001411673.3), dbSNP rs770719420, ClinGen allele CA667944754.